The following is an entry in ClinVar:

NM_003331.5(TYK2):c.1913G>A (p.Arg638Gln)

Gene: TYK2 (tyrosine kinase 2; minus strand). Cytogenetic location: 19p13.2.
Variant type: single nucleotide variant.
Coding change: c.1913G>A on transcript NM_003331.5 (MANE Select); coding-DNA position 1913, G replaced by A.
Protein change: p.Arg638Gln; replaces arginine 638 with glutamine.
Molecular consequence: missense variant.
Genome position (GRCh38, 1-based): chr19:10,361,816, C>T on the plus strand (G>A on the coding strand, the complement: TYK2 is on the minus strand). VCF-style: chr19-10361816-C-T. GRCh37 (hg19) VCF-style: chr19-10472492-C-T.
Other names: c.1913G>A (LRG_121t1); short protein forms R638Q.
Identifiers: ClinVar variation 654907 (VCV000654907.6), dbSNP rs780399902, ClinGen allele CA9193255.

ClinVar aggregate classification (germline): Uncertain significance (1 of 4 stars; one submission).

Conditions:
Immunodeficiency 35 (IMD35). Also called: TYK2 DEFICIENCY; HIES WITH ATYPICAL MYCOBACTERIOSIS, AUTOSOMAL RECESSIVE; HYPER-IgE SYNDROME WITH ATYPICAL MYCOBACTERIOSIS, AUTOSOMAL RECESSIVE; Susceptibility to infection due to TYK2 deficiency. Identifiers: Orphanet 331226, MedGen C1969086, MONDO:0012682, OMIM 611521.

Allele frequency attached by ClinVar (database versions not stated): ExAC 0.00002; TOPMed below 0.00001; gnomAD 0.00001; gnomAD exomes 0.00002.

Submission:

Labcorp Genetics (formerly Invitae), Labcorp
Classification: Uncertain significance for Immunodeficiency 35. Last evaluated: 2018-08-08. Review status: criteria provided, single submitter. Criteria: Invitae Variant Classification Sherloc (09022015). Collection method: clinical testing. Allele origin: germline.
Comment: This variant is present in population databases (rs780399902, ExAC 0.02%). In summary, the available evidence is currently insufficient to determine the role of this variant in disease. Therefore, it has been classified as a Variant of Uncertain Significance. Algorithms developed to predict the effect of missense changes on protein structure and function are either unavailable or do not agree on the potential impact of this missense change (SIFT: "Deleterious"; PolyPhen-2: "Benign"; Align-GVGD: "Class C35"). This variant has not been reported in the literature in individuals with TYK2-related disease. This sequence change replaces arginine with glutamine at codon 638 of the TYK2 protein (p.Arg638Gln). The arginine residue is highly conserved and there is a small physicochemical difference between arginine and glutamine.